The following is an entry in ClinVar:

NC_000001.10:g.(?_237205822)_(237519305_?)dup

Gene: RYR2 (ryanodine receptor 2; plus strand). Cytogenetic location: 1q43.
Variant type: Duplication.
Identifiers: ClinVar variation 1501537 (VCV001501537.43).

ClinVar aggregate classification (germline): Likely pathogenic (1 of 4 stars; one submission).

Conditions:
Catecholaminergic polymorphic ventricular tachycardia 1. Also called: VENTRICULAR TACHYCARDIA, CATECHOLAMINERGIC POLYMORPHIC, 1, WITH OR WITHOUT ATRIAL DYSFUNCTION AND/OR DILATED CARDIOMYOPATHY; RYR2-Related Catecholaminergic Polymorphic Ventricular Tachycardia; VENTRICULAR TACHYCARDIA, STRESS-INDUCED POLYMORPHIC 1. Identifiers: Orphanet 3286, MedGen C1631597, MONDO:0011484, OMIM 604772.

Submission:

Labcorp Genetics (formerly Invitae), Labcorp
Classification: Likely pathogenic for Catecholaminergic polymorphic ventricular tachycardia 1. Last evaluated: 2024-01-16. Review status: criteria provided, single submitter. Criteria: Invitae Variant Classification Sherloc (09022015). Collection method: clinical testing. Allele origin: germline.
Comment: This variant results in a copy number gain of the genomic region encompassing exon(s) 1-4 of the RYR2 gene. This region includes the initiator codon of the gene. The 5' end of this event is unknown as it extends beyond the assayed region for this gene and therefore may encompass additional genes. The 3' boundary is likely confined to intron 4 of the RYR2 gene. Although the duplication was reported as likely in tandem (PMID: 31913406), the exact location of this variant in the genome is unknown and it may be in tandem or it may be located elsewhere in the genome. A similar copy number variant has been observed in individual(s) with exercise-associated ventricular fibrillation (PMID: 31913406). Familial testing in Amish families indicates the affected relatives are homozygous for a duplication of exons 1-4 in RYR2. Homozygous individuals have experienced sudden death due to suspected ventricular fibrillation or resuscitated cardiac arrest. Heterozygous relatives with a single duplication of exons 1-4 (copy number = 3) are clinically unaffected without identifiable cardiac abnormalities. The Gain (exons 1-4), copy number = 4 has only been reported in Amish families to date, the risk of arrhythmia in individuals who are not of Amish ancestry is unknown. In summary, the currently available evidence indicates that the variant is pathogenic, but additional data are needed to prove that conclusively. Therefore, this variant has been classified as Likely Pathogenic.

Literature cited by the submitters: PubMed 31913406.